The following is an entry in ClinVar:

NM_014625.4(NPHS2):c.561G>A (p.Met187Ile)

Gene: NPHS2 (NPHS2 stomatin family member, podocin; minus strand). Cytogenetic location: 1q25.2.
Variant type: single nucleotide variant.
Coding change: c.561G>A on transcript NM_014625.4 (MANE Select); coding-DNA position 561, G replaced by A.
Protein change: p.Met187Ile; replaces methionine 187 with isoleucine.
Molecular consequence: missense variant. On other transcripts: intron variant (1).
Genome position (GRCh38, 1-based): chr1:179,557,204, C>T on the plus strand (G>A on the coding strand, the complement: NPHS2 is on the minus strand). VCF-style: chr1-179557204-C-T. GRCh37 (hg19) VCF-style: chr1-179526339-C-T.
Other names: c.534+2475G>A (NM_001297575.2); short protein forms M187I.
Identifiers: ClinVar variation 989252 (VCV000989252.11), dbSNP rs1673966819, ClinGen allele CA343568237.

ClinVar aggregate classification (germline): Conflicting classifications of pathogenicity. Review status: criteria provided, conflicting classifications (1 of 4 stars). 6 submissions from 6 submitters: Likely pathogenic (4); Uncertain significance (2). Last evaluated 2026-03-11.

Conditions:
Steroid-resistant nephrotic syndrome. Identifiers: MedGen C0403397, MONDO:0044765, HP:0012588.
Nephrotic syndrome, type 2 (NPHS2). Also called: NEPHROTIC SYNDROME, STEROID-RESISTANT, AUTOSOMAL RECESSIVE. Identifiers: Orphanet 656, MedGen C1868672, MONDO:0010974, OMIM 600995.

Allele frequency attached by ClinVar (database versions not stated): TOPMed below 0.00001.

Submissions (6):

Dasa
Classification: Likely pathogenic. Last evaluated: 2026-03-11. Review status: criteria provided, single submitter. Criteria: DASA Assertion Criteria. Collection method: clinical testing. Allele origin: germline.
Comment: NM_014625.4(NPHS2):c.561G>A (p.Met187Ile) is a missense variant that results in the substitution of methionine with isoleucine. The affected residue or protein region has prior evidence supporting clinical relevance. This variant has been recurrently observed in individuals with NPHS2-related disorders (PMID: 37915894; PMID: 20947785). Also, this variant is rare in population databases. Computational evidence supports a deleterious effect. Based on the currently available evidence, this variant is classified as likely pathogenic.

Natera, Inc.
Classification: Likely pathogenic for Steroid-resistant nephrotic syndrome. Last evaluated: 2025-12-02. Review status: criteria provided, single submitter. Criteria: Natera Variant Classification Schema (03/2026). Collection method: clinical testing. Allele origin: germline.
Comment: The c.561G>A variant in NPHS2 is a missense variant predicted to cause substitution of methionine to isoleucine at amino acid 187. This variant is rare in the general population with a frequency below the threshold expected for the associated phenotype(s). This variant has been observed in one or more individuals affected with the associated recessive disease, as either homozygous or compound heterozygous with a second variant (PMID: 36239278, 37915894). Given the available evidence, this variant is classified as Likely Pathogenic.

Baylor Genetics
Classification: Likely pathogenic for Nephrotic syndrome, type 2. Last evaluated: 2024-01-30. Review status: criteria provided, single submitter. Criteria: ACMG Guidelines, 2015. Collection method: clinical testing. Allele origin: unknown.

Women's Health and Genetics/Laboratory Corporation of America, LabCorp
Classification: Uncertain significance. Last evaluated: 2023-02-17. Review status: criteria provided, single submitter. Criteria: LabCorp Variant Classification Summary - May 2015. Collection method: clinical testing. Allele origin: germline.
Comment: Variant summary: NPHS2 c.561G>A (p.Met187Ile) results in a conservative amino acid change located in the Band 7 domain (IPR001107) of the encoded protein sequence. Four of five in-silico tools predict a benign effect of the variant on protein function. The variant was absent in 251102 control chromosomes (gnomAD). The available data on variant occurrences in the general population are insufficient to allow any conclusion about variant significance. c.561G>A has been reported in the literature in at-least one individual affected with focal segmental glomerulosclerosis (Santn_2011). These report(s) do not provide unequivocal conclusions about association of the variant with Nephrotic Syndrome, Type 2. To our knowledge, no experimental evidence demonstrating an impact on protein function has been reported. Two clinical diagnostic laboratories have submitted clinical-significance assessments for this variant to ClinVar after 2014 without evidence for independent evaluation. One laboratory classified the variant as pathogenic/likely pathogenic, and one laboratory classified the variant as uncertain significance. Based on the evidence outlined above, the variant was classified as uncertain significance.

Labcorp Genetics (formerly Invitae), Labcorp
Classification: Uncertain significance. Last evaluated: 2022-05-15. Review status: criteria provided, single submitter. Criteria: Invitae Variant Classification Sherloc (09022015). Collection method: clinical testing. Allele origin: germline.
Comment: This sequence change replaces methionine, which is neutral and non-polar, with isoleucine, which is neutral and non-polar, at codon 187 of the NPHS2 protein (p.Met187Ile). This variant is not present in population databases (gnomAD no frequency). This missense change has been observed in individual(s) with NPHS2-related conditions (PMID: 20947785, 28476686). ClinVar contains an entry for this variant (Variation ID: 989252). Advanced modeling of protein sequence and biophysical properties (such as structural, functional, and spatial information, amino acid conservation, physicochemical variation, residue mobility, and thermodynamic stability) performed at Invitae indicates that this missense variant is not expected to disrupt NPHS2 protein function. Algorithms developed to predict the effect of sequence changes on RNA splicing suggest that this variant may disrupt the consensus splice site. In summary, the available evidence is currently insufficient to determine the role of this variant in disease. Therefore, it has been classified as a Variant of Uncertain Significance.

Illumina Laboratory Services, Illumina
Classification: Likely pathogenic for Nephrotic syndrome, type 2. Last evaluated: 2019-07-31. Review status: criteria provided, single submitter. Criteria: ICSLVariantClassificationCriteria RUGD 01 April 2020. Collection method: clinical testing. Allele origin: unknown.
Comment: The NPHS2 c.561G>A (p.Met187Ile) missense variant has been reported in two studies in which it was identified in a compound heterozygous state with a variant of uncertain significance in one individual with sporadic steroid-resistant nephrotic syndrome (SRNS) and in another individual affected with SRNS in unknown zygosity (Wang et al. 2017; SantÃ­n et al. 2018). The variant was absent from 360 control chromosomes and is not found in the Genome Aggregation Database in a region of good sequence coverage, so the variant is presumed to be rare. Based on absence from frequency databases, presence in affected individuals, detection in trans with a pathogenic variant in an affected individual, and application of the ACMG criteria, the p.Met187Ile variant is classified as likely pathogenic for steroid-resistant nephrotic syndrome.

Literature cited by the submitters: PubMed 37915894 (cited by Dasa and Natera, Inc.); PubMed 20947785 (cited by 4 submitters); PubMed 28476686 (cited by 3 submitters); PubMed 36239278 (cited by Natera, Inc.).